The following is an entry in ClinVar:

ClinVar aggregate classification (germline): Uncertain significance. Review status: criteria provided, multiple submitters, no conflicts (2 of 4 stars). 2 submissions from 2 submitters: Uncertain significance (2). Last evaluated 2024-10-19.

Allele frequency attached by ClinVar (database versions not stated): gnomAD exomes below 0.00001; TOPMed below 0.00001; gnomAD 0.00001.
gnomAD v4.1: 6 of 1,613,820 alleles (0.00037%); highest among the groups gnomAD compares: Admixed American, 0.0033%; no homozygotes.

Submissions (2):

Ambry Genetics
Classification: Uncertain significance. Last evaluated: 2024-10-19. Review status: criteria provided, single submitter. Criteria: Ambry Variant Classification Scheme 2023. Collection method: clinical testing. Allele origin: germline.

Labcorp Genetics (formerly Invitae), Labcorp
Classification: Uncertain significance. Last evaluated: 2022-08-09. Review status: criteria provided, single submitter. Criteria: Invitae Variant Classification Sherloc (09022015). Collection method: clinical testing. Allele origin: germline.
Comment: Algorithms developed to predict the effect of missense changes on protein structure and function (SIFT, PolyPhen-2, Align-GVGD) all suggest that this variant is likely to be disruptive. This variant has not been reported in the literature in individuals affected with ARNT2-related conditions. This variant is present in population databases (no rsID available, gnomAD 0.006%). This sequence change replaces proline, which is neutral and non-polar, with threonine, which is neutral and polar, at codon 297 of the ARNT2 protein (p.Pro297Thr). In summary, the available evidence is currently insufficient to determine the role of this variant in disease. Therefore, it has been classified as a Variant of Uncertain Significance.

NM_014862.4(ARNT2):c.889C>A (p.Pro297Thr)

Gene: ARNT2 (aryl hydrocarbon receptor nuclear translocator 2; plus strand). Cytogenetic location: 15q25.1.
Variant type: single nucleotide variant.
Coding change: c.889C>A on transcript NM_014862.4 (MANE Select); coding-DNA position 889, C replaced by A.
Protein change: p.Pro297Thr; replaces proline 297 with threonine.
Molecular consequence: missense variant.
Genome position (GRCh38, 1-based): chr15:80,551,210, C>A. VCF-style: chr15-80551210-C-A. GRCh37 (hg19) VCF-style: chr15-80843551-C-A.
Other names: c.889C>A (NM_014862.3); short protein forms P297T.
Identifiers: ClinVar variation 1956314 (VCV001956314.6), dbSNP rs1338755934, ClinGen allele CA393622322.
Genomic context (GRCh38, chr15:80,551,210, plus strand): 5'-CCATTCACCTTGGGCATATTGTTGATGACACAGGTATTTCCCATTTCAGGAATGACCATA[C>A]CTGAAGAAGACGCTGATGTGGGACAAGGCAGTAAATATTGCCTCGTGGCAATTGGGAGAC-3'
Protein context (NP_055677.3, residues 287-307): KAWPPAGMTI[Pro297Thr]EEDADVGQGS